The following is an entry in ClinVar:

ClinVar aggregate classification (germline): Uncertain significance (1 of 4 stars; one submission).

Conditions:
Mosaic variegated aneuploidy syndrome 2 (MVA2). Identifiers: Orphanet 1052, MedGen C3279843, MONDO:0013582, OMIM 614114.

Allele frequency attached by ClinVar (database versions not stated): gnomAD exomes below 0.00001; gnomAD 0.00001.
gnomAD v4.1: 5 of 1,613,912 alleles (0.00031%); highest among the groups gnomAD compares: Non-Finnish European, 0.00042%; no homozygotes.

Submission:

Labcorp Genetics (formerly Invitae), Labcorp
Classification: Uncertain significance for Mosaic variegated aneuploidy syndrome 2. Last evaluated: 2021-08-06. Review status: criteria provided, single submitter. Criteria: Invitae Variant Classification Sherloc (09022015). Collection method: clinical testing. Allele origin: germline.
Comment: This variant is not present in population databases (ExAC no frequency). In summary, the available evidence is currently insufficient to determine the role of this variant in disease. Therefore, it has been classified as a Variant of Uncertain Significance. Variants that disrupt the consensus splice site are a relatively common cause of aberrant splicing (PMID: 17576681, 9536098). Algorithms developed to predict the effect of sequence changes on RNA splicing suggest that this variant may disrupt the consensus splice site. This variant has not been reported in the literature in individuals affected with CEP57-related conditions. This sequence change falls in intron 1 of the CEP57 gene. It does not directly change the encoded amino acid sequence of the CEP57 protein. It affects a nucleotide within the consensus splice site of the intron.

Literature cited by the submitters: PubMed 17576681; PubMed 9536098.

NM_014679.5(CEP57):c.45+5G>A

Genes: CEP57 (centrosomal protein 57; plus strand), LOC130006618 (ATAC-STARR-seq lymphoblastoid active region 5417; plus strand). Cytogenetic location: 11q21.
Variant type: single nucleotide variant.
Coding change: c.45+5G>A on transcript NM_014679.5 (MANE Select); 5 bases into the intron after coding-DNA position 45, G replaced by A.
Molecular consequence: intron variant.
Genome position (GRCh38, 1-based): chr11:95,790,748, G>A. VCF-style: chr11-95790748-G-A. GRCh37 (hg19) VCF-style: chr11-95523912-G-A.
Other names: c.-350+5G>A (NM_001363604.2); c.-27+5G>A (NM_001243776.2); c.45+5G>A (NM_001243777.2).
Identifiers: ClinVar variation 1492234 (VCV001492234.6), dbSNP rs1347618392, ClinGen allele CA941122108.
Genomic context (GRCh38, chr11:95,790,748, plus strand): 5'-CAGGCTGAAAGATGGCGGCGGCGTCTGTCTCTGCGGCTTCTGGTTCTCACTTGTCGGTAA[G>A]AAGCAGTTGGCGCGAGTGGGCCCCACGTCGGCCCTAAGCGCCTCTTTGAGTTTCCTCACG-3'